The following is an entry in ClinVar:

ClinVar aggregate classification (germline): Pathogenic (1 of 4 stars; one submission).

Conditions:
Inborn genetic diseases. Identifiers: MedGen C0950123, MeSH D030342.

Submission:

Ambry Genetics
Classification: Pathogenic for Inborn genetic diseases. Last evaluated: 2026-04-20. Review status: criteria provided, single submitter. Criteria: Ambry Variant Classification Scheme 2023. Collection method: clinical testing. Allele origin: germline.
Comment: The c.581dupT (p.Y195Ifs*9) alteration, located in exon 9 (coding exon 8) of the TCF12 gene, consists of a duplication of T at position 581, causing a translational frameshift with a predicted alternate stop codon after 9 amino acids. This variant is expected to result in loss of function by premature protein truncation or nonsense-mediated mRNA decay. This variant was not reported in population-based cohorts in the Genome Aggregation Database (gnomAD). Based on the available evidence, this alteration is classified as pathogenic.

NM_207037.2(TCF12):c.581dup (p.Tyr195fs)

Gene: TCF12 (transcription factor 12; plus strand). Cytogenetic location: 15q21.3.
Variant type: Duplication.
Coding change: c.581dup on transcript NM_207037.2 (MANE Select); coding-DNA position 581, one base duplicated (T; older notation c.581dupT).
Protein change: p.Tyr195fs; shifts the reading frame from tyrosine 195.
Molecular consequence: frameshift variant. On other transcripts: 5 prime UTR variant (1).
Genome position (GRCh38, 1-based): chr15:57,231,153, T duplicated. VCF-style (leftmost placement, unchanged base first): chr15-57231152-G-GT. GRCh37 (hg19) VCF-style: chr15-57523350-G-GT.
Other names: c.71dup, p.Tyr25fs (NM_001306219.3, NM_207040.2); c.13dup, p.Tyr5fs (NM_001306220.3); c.581dup, p.Tyr195fs (NM_001322151.2, NM_001322152.2, NM_001322157.3 and 7 more transcripts); c.-77dup (NM_001322154.2); c.407dup, p.Tyr137fs (NM_001322156.2, NM_001322158.2); c.617dup, p.Tyr207fs (NM_001322164.2); short protein forms Y137fs, Y195fs, Y207fs, Y25fs, Y5fs.
Identifiers: ClinVar variation 4865376 (VCV004865376.1).
Genomic context (GRCh38, chr15:57,231,152, plus strand): 5'-TTTACATAAGTAATATGATAGTCATTTACATTTTAATTAAATGTGCTGTTTAATTTTAAG[G>GT]TATATGCACCATCCCCAAATTCAGATGATTTCAACCGTGAATCTCCTAGTTATCCATCTC-3'